The following is an entry in ClinVar:

ClinVar aggregate classification (germline): Pathogenic (1 of 4 stars; one submission).

Conditions:
Hereditary cancer-predisposing syndrome. Also called: Tumor predisposition; Hereditary neoplastic syndrome; Hereditary Cancer Syndrome; Neoplastic Syndromes, Hereditary. Identifiers: Orphanet 140162, MedGen C0027672, MeSH D009386, MONDO:0015356.

Submission:

Ambry Genetics
Classification: Pathogenic for Hereditary cancer-predisposing syndrome. Last evaluated: 2025-06-11. Review status: criteria provided, single submitter. Criteria: Ambry Variant Classification Scheme 2023. Collection method: clinical testing. Allele origin: germline.
Comment: The c.3323dupT pathogenic mutation, located in coding exon 22 of the ATM gene, results from a duplication of T at nucleotide position 3323, causing a translational frameshift with a predicted alternate stop codon (p.K1109Efs*13). This variant is considered to be rare based on population cohorts in the Genome Aggregation Database (gnomAD). This alteration is expected to result in loss of function by premature protein truncation or nonsense-mediated mRNA decay. As such, this alteration is interpreted as a disease-causing mutation.

NM_000051.4(ATM):c.3323dup (p.Lys1109fs)

Gene: ATM (ATM serine/threonine kinase; plus strand). Cytogenetic location: 11q22.3.
Variant type: Duplication.
Coding change: c.3323dup on transcript NM_000051.4 (MANE Select); coding-DNA position 3323, one base duplicated (T; older notation c.3323dupT).
Protein change: p.Lys1109fs; shifts the reading frame from lysine 1109.
Molecular consequence: frameshift variant.
Genome position (GRCh38, 1-based): chr11:108,279,529, T duplicated. VCF-style (leftmost placement, unchanged base first): chr11-108279528-C-CT. GRCh37 (hg19) VCF-style: chr11-108150255-C-CT.
Other names: c.3323dupT (NM_000051.3); c.3323dup, p.Lys1109fs (NM_001351834.2); short protein forms K1109fs.
Identifiers: ClinVar variation 3967309 (VCV003967309.1).